The following is an entry in ClinVar:

Conditions:
Long QT syndrome 5 (LQT5). Identifiers: Orphanet 101016, Orphanet 768, MedGen C1867904, MONDO:0013372, OMIM 613695.

Submission:

Roden Lab, Vanderbilt University Medical Center
No classification provided (evidence only). Condition: Long QT syndrome 5. Review status: no classification provided. Collection method: in vitro. Allele origin: not applicable. Functional consequence: Effect on ion channel function.
ClinVar note: "not provided" was previously submitted as the classification for the variant. However, the classification appeared to be based only on an observation of functional data so it was converted to no classification on 2025-07-30.

NM_000219.6(KCNE1):c.202T>G (p.Ser68Ala)

Gene: KCNE1 (potassium voltage-gated channel subfamily E regulatory subunit 1; minus strand). Cytogenetic location: 21q22.12.
Variant type: single nucleotide variant.
Coding change: c.202T>G on transcript NM_000219.6 (MANE Select); coding-DNA position 202, T replaced by G.
Protein change: p.Ser68Ala; replaces serine 68 with alanine.
Molecular consequence: missense variant.
Genome position (GRCh38, 1-based): chr21:34,449,433, A>C on the plus strand (T>G on the coding strand, the complement: KCNE1 is on the minus strand). VCF-style: chr21-34449433-A-C. GRCh37 (hg19) VCF-style: chr21-35821731-A-C.
Other names: c.202T>G, p.Ser68Ala (NM_001127668.4, NM_001127669.4, NM_001127670.4 and 4 more transcripts); short protein forms S68A.
Identifiers: ClinVar variation 3374318 (VCV003374318.2).
Genomic context (GRCh38, chr21:34,449,433, plus strand): 5'-GCCAGGCATCGGACTCGATGTAGACGTTGAATGGGTCGTTCGAGTGCTCCAGCTTCTTGG[A>C]GCGGATGTAGCTCAGCATGATGCCCAGGGTGAAGAAGCCGAAGAATCCCAGTACCATGAG-3'
Protein context (NP_000210.2, residues 58-78): TLGIMLSYIR[Ser68Ala]KKLEHSNDPF